The following is an entry in ClinVar:

ClinVar aggregate classification (germline): Uncertain significance (1 of 4 stars; one submission).

Conditions:
Hereditary cancer-predisposing syndrome. Also called: Hereditary neoplastic syndrome; Neoplastic Syndromes, Hereditary; Tumor predisposition; Hereditary Cancer Syndrome. Identifiers: Orphanet 140162, MedGen C0027672, MeSH D009386, MONDO:0015356.

Submission:

Ambry Genetics
Classification: Uncertain significance for Hereditary cancer-predisposing syndrome. Last evaluated: 2025-02-22. Review status: criteria provided, single submitter. Criteria: Ambry Variant Classification Scheme 2023. Collection method: clinical testing. Allele origin: germline.
Comment: The p.S439T variant (also known as c.1316G>C), located in coding exon 6 of the ALK gene, results from a G to C substitution at nucleotide position 1316. The serine at codon 439 is replaced by threonine, an amino acid with similar properties. This amino acid position is conserved. In addition, the in silico prediction for this alteration is inconclusive. Based on the available evidence, the clinical significance of this variant remains unclear.

NM_004304.5(ALK):c.1316G>C (p.Ser439Thr)

Gene: ALK (ALK receptor tyrosine kinase; minus strand). Cytogenetic location: 2p23.2.
Variant type: single nucleotide variant.
Coding change: c.1316G>C on transcript NM_004304.5 (MANE Select); coding-DNA position 1316, G replaced by C.
Protein change: p.Ser439Thr; replaces serine 439 with threonine.
Molecular consequence: missense variant.
Genome position (GRCh38, 1-based): chr2:29,328,448, C>G on the plus strand (G>C on the coding strand, the complement: ALK is on the minus strand). VCF-style: chr2-29328448-C-G. GRCh37 (hg19) VCF-style: chr2-29551314-C-G.
Other names: short protein forms S439T.
Identifiers: ClinVar variation 3855877 (VCV003855877.1).